The following is an entry in ClinVar:

ClinVar aggregate classification (germline): Pathogenic/Likely pathogenic. Review status: criteria provided, multiple submitters, no conflicts (2 of 4 stars). 2 submissions from 2 submitters: Pathogenic (1); Likely pathogenic (1). Last evaluated 2024-11-19.

Conditions:
Hereditary pulmonary alveolar proteinosis. Also called: Pulmonary surfactant metabolism dysfunction. Identifiers: Orphanet 264675, MedGen C3711368, MONDO:0012580.

Submissions (2):

Labcorp Genetics (formerly Invitae), Labcorp
Classification: Likely pathogenic. Last evaluated: 2024-11-19. Review status: criteria provided, single submitter. Criteria: Invitae Variant Classification Sherloc (09022015). Collection method: clinical testing. Allele origin: germline.
Comment: This sequence change replaces leucine, which is neutral and non-polar, with proline, which is neutral and non-polar, at codon 110 of the SFTPC protein (p.Leu110Pro). This variant is not present in population databases (gnomAD no frequency). This missense change has been observed in individual(s) with interstitial lung disease (PMID: 18383112). In at least one individual the variant was observed to be de novo. ClinVar contains an entry for this variant (Variation ID: 1729939). An algorithm developed to predict the effect of missense changes on protein structure and function (PolyPhen-2) suggests that this variant is likely to be disruptive. In summary, the currently available evidence indicates that the variant is pathogenic, but additional data are needed to prove that conclusively. Therefore, this variant has been classified as Likely Pathogenic.

Ambry Genetics
Classification: Pathogenic for Hereditary pulmonary alveolar proteinosis. Last evaluated: 2016-04-20. Review status: criteria provided, single submitter. Criteria: Ambry Variant Classification Scheme 2023. Collection method: clinical testing. Allele origin: germline.
Comment: The p.L110P pathogenic mutation (also known as c.329T>C), located in coding exon 4 of the SFTPC gene, results from a T to C substitution at nucleotide position 329. The leucine at codon 110 is replaced by proline, an amino acid with similar properties. This mutation has been reported as a de novo occurrence in a patient with Surfactant C deficiency (McBee AD, Pediatr. Pulmonol. 2008 May; 43(5):443-50). Based on the supporting evidence, p.L110P is interpreted as a disease-causing mutation.

Literature cited by the submitters: PubMed 18383112 (cited by Labcorp Genetics (formerly Invitae), Labcorp and Ambry Genetics).

NM_001317778.2(SFTPC):c.329T>C (p.Leu110Pro)

Gene: SFTPC (surfactant protein C; plus strand). Cytogenetic location: 8p21.3.
Variant type: single nucleotide variant.
Coding change: c.329T>C on transcript NM_001317778.2 (MANE Select); coding-DNA position 329, T replaced by C.
Protein change: p.Leu110Pro; replaces leucine 110 with proline.
Molecular consequence: missense variant.
Genome position (GRCh38, 1-based): chr8:22,163,440, T>C. VCF-style: chr8-22163440-T-C. GRCh37 (hg19) VCF-style: chr8-22020953-T-C.
Other names: c.329T>C, p.Leu110Pro (NM_001172357.2, NM_001172410.2, NM_001317780.2 and 8 more transcripts); c.170T>C, p.Leu57Pro (NM_001317779.2, NM_001385660.1); short protein forms L57P, L110P.
Identifiers: ClinVar variation 1729939 (VCV001729939.4), dbSNP rs1003901489, ClinGen allele CA370537583.